The following is an entry in ClinVar:

ClinVar aggregate classification (germline): Pathogenic (1 of 4 stars; one submission).

Submission:

Labcorp Genetics (formerly Invitae), Labcorp
Classification: Pathogenic. Last evaluated: 2025-09-10. Review status: criteria provided, single submitter. Criteria: Invitae Variant Classification Sherloc (09022015). Collection method: clinical testing. Allele origin: germline.
Comment: This sequence change creates a premature translational stop signal (p.Phe120Serfs*29) in the LEPR gene. It is expected to result in an absent or disrupted protein product. Loss-of-function variants in LEPR are known to be pathogenic (PMID: 23616257, 24319006, 25751111). This variant is not present in population databases (gnomAD no frequency). This variant has not been reported in the literature in individuals affected with LEPR-related conditions. For these reasons, this variant has been classified as Pathogenic.

Literature cited by the submitters: PubMed 23616257; PubMed 24319006; PubMed 25751111.

NM_002303.6(LEPR):c.359_360del (p.Phe120fs)

Gene: LEPR (leptin receptor; plus strand). Cytogenetic location: 1p31.3.
Variant type: Deletion.
Coding change: c.359_360del on transcript NM_002303.6 (MANE Select); coding-DNA positions 359 to 360, 2 bases deleted (TT; older notation c.359_360delTT).
Protein change: p.Phe120fs; shifts the reading frame from phenylalanine 120.
Molecular consequence: frameshift variant.
Genome position (GRCh38, 1-based): chr1:65,570,791-65,570,792, TT deleted; deleting any 2 consecutive bases within chr1:65,570,788-65,570,792 gives the same sequence; the c. name uses the placement nearest the transcript's 3' end. VCF-style (leftmost placement, unchanged base first): chr1-65570787-GTT-G. GRCh37 (hg19) VCF-style: chr1-66036470-GTT-G.
Other names: c.359_360del, p.Phe120fs (NM_001003679.3, NM_001003680.3, NM_001198687.2 and 2 more transcripts); short protein forms F120fs.
Identifiers: ClinVar variation 4726995 (VCV004726995.1).
Genomic context (GRCh38, chr1:65,570,787, plus strand): 5'-TGCTCCTTATGTGCAGACAACATTGAAGGAAAGACATTTGTTTCAACAGTAAATTCTTTA[GTT>G]TTTCAACAAATAGGTAAGCATTAGCTATGTTTTAAATGTATTGAACAATGTTTTTTAATT-3'